The following is an entry in ClinVar:

ClinVar aggregate classification (germline): Uncertain significance (1 of 4 stars; one submission).

Conditions:
USP7-related disorder. Also called: USP7-related condition.

gnomAD v4.1: 2 of 1,614,018 alleles (0.00012%); highest among the groups gnomAD compares: African/African-American, 0.0013%; no homozygotes.

Submission:

PreventionGenetics, part of Exact Sciences
Classification: Uncertain significance for USP7-related condition. Last evaluated: 2025-01-26. Review status: criteria provided, single submitter. Criteria: ACMG Guidelines, 2015. Collection method: clinical testing. Allele origin: germline.
Comment: The USP7 c.1120G>C variant is predicted to result in the amino acid substitution p.Asp374His. To our knowledge, this variant has not been reported in the literature or in a large population database (gnomAD), indicating this variant is rare. At this time, the clinical significance of this variant is uncertain due to the absence of conclusive functional and genetic evidence.

NM_003470.3(USP7):c.1120G>C (p.Asp374His)

Gene: USP7 (ubiquitin specific peptidase 7; minus strand). Cytogenetic location: 16p13.2.
Variant type: single nucleotide variant.
Coding change: c.1120G>C on transcript NM_003470.3 (MANE Select); coding-DNA position 1120, G replaced by C.
Protein change: p.Asp374His; replaces aspartic acid 374 with histidine.
Molecular consequence: missense variant. On other transcripts: non-coding transcript variant (1).
Genome position (GRCh38, 1-based): chr16:8,910,786, C>G on the plus strand (G>C on the coding strand, the complement: USP7 is on the minus strand). VCF-style: chr16-8910786-C-G. GRCh37 (hg19) VCF-style: chr16-9004643-C-G.
Other names: c.1072G>C, p.Asp358His (NM_001286457.2); c.823G>C, p.Asp275His (NM_001286458.2); c.946G>C, p.Asp316His (NM_001321858.2); short protein forms D358H, D316H, D275H, D374H.
Identifiers: ClinVar variation 5000528 (VCV005000528.1).